The following is an entry in ClinVar:

ClinVar aggregate classification (germline): Uncertain significance. Review status: criteria provided, multiple submitters, no conflicts (2 of 4 stars). 3 submissions from 3 submitters: Uncertain significance (3). Last evaluated 2026-06-02.

Conditions:
TMEM67-related disorder. Also called: TMEM67-related disorders; TMEM67-related condition. Identifiers: MedGen CN239423.
Meckel-Gruber syndrome. Also called: DYSENCEPHALIA SPLANCHNOCYSTICA; GRUBER SYNDROME; Dysencephalia splachnocystica. Identifiers: Orphanet 564, MedGen C0265215, MONDO:0018921.
Joubert syndrome. Also called: JOUBERT-BOLTSHAUSER SYNDROME; Familial aplasia of the vermis. Identifiers: Orphanet 475, MedGen C5979921, MONDO:0018772.
Nephronophthisis 11 (NPHP11). Identifiers: Orphanet 84081, MedGen C3150796, MONDO:0013302, OMIM 613550.
Bardet-Biedl syndrome 14 (BBS14). Identifiers: Orphanet 110, MedGen C2673874, MONDO:0014442, OMIM 615991.
RHYNS syndrome. Also called: RETINITIS PIGMENTOSA SYNDROME; RETINITIS PIGMENTOSA, HYPOPITUITARISM, NEPHRONOPHTHISIS, AND MILD SKELETAL DYSPLASIA. Identifiers: Orphanet 140976, MedGen C1865794, MONDO:0011202, OMIM 602152.
Meckel syndrome, type 3 (MKS3). Also called: MECKEL-GRUBER SYNDROME, TYPE 3. Identifiers: Orphanet 564, MedGen C1846357, MONDO:0011821, OMIM 607361.
Joubert syndrome 6 (JBTS6). Identifiers: Orphanet 475, MedGen C1853153, MONDO:0012539, OMIM 610688.
COACH syndrome 1. Identifiers: Orphanet 1454, MedGen C5435651, MONDO:0800103, OMIM 216360, MONDO:0008996.

Allele frequency attached by ClinVar (database versions not stated): TOPMed below 0.00001; ExAC 0.00001; gnomAD 0.00001; ESP Exome Variant Server 0.00008; gnomAD exomes below 0.00001.
gnomAD v4.1: 1 of 1,614,062 alleles (0.000062%); highest among the groups gnomAD compares: African/African-American, 0.0013%; no homozygotes.

Submissions (3):

PreventionGenetics, part of Exact Sciences
Classification: Uncertain significance for TMEM67-related condition. Last evaluated: 2026-06-02. Review status: criteria provided, single submitter. Criteria: ACMG Guidelines, 2015. Collection method: clinical testing. Allele origin: germline.
Comment: The TMEM67 c.766A>G variant is predicted to result in the amino acid substitution p.Asn256Asp. To our knowledge, this variant has not been reported in the literature. This variant is reported in 0.0080% of alleles in individuals of African descent in gnomAD. At this time, the clinical significance of this variant is uncertain due to the absence of conclusive functional and genetic evidence.

Fulgent Genetics
Classification: Uncertain significance for COACH syndrome 1; RHYNS syndrome; Meckel syndrome, type 3; Joubert syndrome 6; Nephronophthisis 11; Bardet-Biedl syndrome 14. Last evaluated: 2024-01-09. Review status: criteria provided, single submitter. Criteria: ACMG Guidelines, 2015. Collection method: clinical testing. Allele origin: germline.

Labcorp Genetics (formerly Invitae), Labcorp
Classification: Uncertain significance for Joubert syndrome; Meckel-Gruber syndrome. Last evaluated: 2022-10-25. Review status: criteria provided, single submitter. Criteria: Invitae Variant Classification Sherloc (09022015). Collection method: clinical testing. Allele origin: germline.
Comment: This sequence change replaces asparagine, which is neutral and polar, with aspartic acid, which is acidic and polar, at codon 256 of the TMEM67 protein (p.Asn256Asp). The frequency data for this variant in the population databases is considered unreliable, as metrics indicate poor data quality at this position in the gnomAD database. This variant has not been reported in the literature in individuals affected with TMEM67-related conditions. ClinVar contains an entry for this variant (Variation ID: 1449645). Advanced modeling of protein sequence and biophysical properties (such as structural, functional, and spatial information, amino acid conservation, physicochemical variation, residue mobility, and thermodynamic stability) performed at Invitae indicates that this missense variant is expected to disrupt TMEM67 protein function. In summary, the available evidence is currently insufficient to determine the role of this variant in disease. Therefore, it has been classified as a Variant of Uncertain Significance.

NM_153704.6(TMEM67):c.766A>G (p.Asn256Asp)

Gene: TMEM67 (transmembrane protein 67; plus strand). Cytogenetic location: 8q22.1.
Variant type: single nucleotide variant.
Coding change: c.766A>G on transcript NM_153704.6 (MANE Select); coding-DNA position 766, A replaced by G.
Protein change: p.Asn256Asp; replaces asparagine 256 with aspartic acid.
Molecular consequence: missense variant. On other transcripts: non-coding transcript variant (1).
Genome position (GRCh38, 1-based): chr8:93,780,644, A>G. VCF-style: chr8-93780644-A-G. GRCh37 (hg19) VCF-style: chr8-94792872-A-G.
Other names: c.523A>G, p.Asn175Asp (NM_001142301.1); c.766A>G (NM_153704.5); short protein forms N256D, N175D.
Identifiers: ClinVar variation 1449645 (VCV001449645.7), dbSNP rs369178053, ClinGen allele CA4807770.